The following is an entry in ClinVar:

NM_001012339.3(DNAJC21):c.1315G>A (p.Glu439Lys)

Gene: DNAJC21 (DnaJ heat shock protein family (Hsp40) member C21; plus strand). Cytogenetic location: 5p13.2.
Variant type: single nucleotide variant.
Coding change: c.1315G>A on transcript NM_001012339.3 (MANE Select); coding-DNA position 1315, G replaced by A.
Protein change: p.Glu439Lys; replaces glutamic acid 439 with lysine.
Molecular consequence: missense variant.
Genome position (GRCh38, 1-based): chr5:34,950,299, G>A. VCF-style: chr5-34950299-G-A. GRCh37 (hg19) VCF-style: chr5-34950404-G-A.
Other names: p.Glu439Lys; c.1354G>A, p.Glu452Lys (NM_001348420.2); c.1450G>A, p.Glu484Lys (NM_194283.4); c.1315G>A (NM_001012339.2); short protein forms E439K, E452K, E484K.
Identifiers: ClinVar variation 1005339 (VCV001005339.16), dbSNP rs115834468, ClinGen allele CA3228815.
Genomic context (GRCh38, chr5:34,950,299, plus strand): 5'-TTAAATCAAGACAGTGCCAAAGAATTGGAAGATAGTCCCCAGGAAAATGTCAGTGTCACA[G>A]AGATCATTAAACCATGTGATGATCCAAAAAGTGAAGCTAAAAGGTAAGTCAAAGTTGCAT-3'
Protein context (NP_001012339.2, residues 429-449): DSPQENVSVT[Glu439Lys]IIKPCDDPKS

ClinVar aggregate classification (germline): Conflicting classifications of pathogenicity. Review status: criteria provided, conflicting classifications (1 of 4 stars). 5 submissions from 5 submitters: Uncertain significance (2); Likely benign (2). 1 of the submissions does not count toward it. Last evaluated 2026-04-20.

Conditions:
DNAJC21-related disorder. Also called: DNAJC21-related condition.

Allele frequency attached by ClinVar (database versions not stated): gnomAD 0.00053 and 0.00052; ExAC 0.00054; gnomAD exomes 0.00054 and 0.00037; TOPMed 0.00056; 1000 Genomes Project 0.00060; 1000 Genomes Project 30x 0.00078; ESP Exome Variant Server 0.00015.
gnomAD v4.1: 612 of 1,613,602 alleles (0.038%); highest among the groups gnomAD compares: Middle Eastern, 0.38%; 2 homozygotes.

Submissions (5):

Women's Health and Genetics/Laboratory Corporation of America, LabCorp
Classification: Uncertain significance. Last evaluated: 2026-04-20. Review status: criteria provided, single submitter. Criteria: LabCorp Variant Classification Summary - May 2015. Collection method: clinical testing. Allele origin: germline.

Labcorp Genetics (formerly Invitae), Labcorp
Classification: Likely benign. Last evaluated: 2026-01-27. Review status: criteria provided, single submitter. Criteria: Invitae Variant Classification Sherloc (09022015). Collection method: clinical testing. Allele origin: germline.

Mayo Clinic Laboratories, Mayo Clinic
Classification: Likely benign. Last evaluated: 2025-07-11. Review status: criteria provided, single submitter. Criteria: ACMG Guidelines, 2015. Collection method: clinical testing. Allele origin: germline. Observed: 2 variant alleles.
Comment: BS1, BP4

Genetic Services Laboratory, University of Chicago
Classification: Uncertain significance. Last evaluated: 2019-02-18. Review status: criteria provided, single submitter. Criteria: ACMG Guidelines, 2015. Collection method: clinical testing. Allele origin: germline. Affected: no.

PreventionGenetics, part of Exact Sciences
Classification: Likely benign for DNAJC21-related condition. Last evaluated: 2023-04-26. Review status: no assertion criteria provided. Collection method: clinical testing. Allele origin: germline. Not counted in ClinVar's aggregate classification.
Comment: This variant is classified as likely benign based on ACMG/AMP sequence variant interpretation guidelines (Richards et al. 2015 PMID: 25741868, with internal and published modifications).